The following is an entry in ClinVar:

ClinVar aggregate classification (germline): Uncertain significance (1 of 4 stars; one submission).

Conditions:
Cardiovascular phenotype. Identifiers: MedGen CN230736.

Submission:

Ambry Genetics
Classification: Uncertain significance for Cardiovascular phenotype. Last evaluated: 2024-06-21. Review status: criteria provided, single submitter. Criteria: Ambry Variant Classification Scheme 2023. Collection method: clinical testing. Allele origin: germline.
Comment: The p.P50S variant (also known as c.148C>T), located in coding exon 1 of the RBM20 gene, results from a C to T substitution at nucleotide position 148. The proline at codon 50 is replaced by serine, an amino acid with similar properties. This amino acid position is conserved. In addition, this alteration is predicted to be tolerated by in silico analysis. Based on the available evidence, the clinical significance of this variant remains unclear.

NM_001134363.3(RBM20):c.148C>T (p.Pro50Ser)

Gene: RBM20 (RNA binding motif protein 20; plus strand). Cytogenetic location: 10q25.2.
Variant type: single nucleotide variant.
Coding change: c.148C>T on transcript NM_001134363.3 (MANE Select); coding-DNA position 148, C replaced by T.
Protein change: p.Pro50Ser; replaces proline 50 with serine.
Molecular consequence: missense variant.
Genome position (GRCh38, 1-based): chr10:110,644,602, C>T. VCF-style: chr10-110644602-C-T. GRCh37 (hg19) VCF-style: chr10-112404360-C-T.
Other names: short protein forms P50S.
Identifiers: ClinVar variation 3313238 (VCV003313238.1).